The following is an entry in ClinVar:

ClinVar aggregate classification (germline): Uncertain significance. Review status: criteria provided, multiple submitters, no conflicts (2 of 4 stars). 4 submissions from 4 submitters: Uncertain significance (4). Last evaluated 2025-12-15.

Conditions:
LRP2-related disorder. Also called: LRP2-related condition.
Donnai-Barrow syndrome. Also called: DBS/FOAR SYNDROME; FACIOOCULOACOUSTICORENAL SYNDROME. Identifiers: Orphanet 2143, MedGen C1857277, MONDO:0009104, OMIM 222448.

Allele frequency attached by ClinVar (database versions not stated): gnomAD exomes 0.00002 and 0.00004; ExAC 0.00005; TOPMed 0.00020; gnomAD 0.00023 and 0.00025; ESP Exome Variant Server 0.00031.
gnomAD v4.1: 67 of 1,613,770 alleles (0.0042%); highest among the groups gnomAD compares: African/African-American, 0.067%; no homozygotes.

Submissions (4):

PreventionGenetics, part of Exact Sciences
Classification: Uncertain significance for LRP2-related condition. Last evaluated: 2025-12-15. Review status: criteria provided, single submitter. Criteria: ACMG Guidelines, 2015. Collection method: clinical testing. Allele origin: germline.
Comment: The LRP2 c.8588C>T variant is predicted to result in the amino acid substitution p.Thr2863Met. To our knowledge, this variant has not been reported in the literature. This variant is reported in 0.048% of alleles in individuals of African descent in gnomAD. At this time, the clinical significance of this variant is uncertain due to the absence of conclusive functional and genetic evidence.

Labcorp Genetics (formerly Invitae), Labcorp
Classification: Uncertain significance. Last evaluated: 2025-01-08. Review status: criteria provided, single submitter. Criteria: Invitae Variant Classification Sherloc (09022015). Collection method: clinical testing. Allele origin: germline.
Comment: This sequence change replaces threonine, which is neutral and polar, with methionine, which is neutral and non-polar, at codon 2863 of the LRP2 protein (p.Thr2863Met). This variant is present in population databases (rs372193473, gnomAD 0.05%). This variant has not been reported in the literature in individuals affected with LRP2-related conditions. ClinVar contains an entry for this variant (Variation ID: 893488). Invitae Evidence Modeling of protein sequence and biophysical properties (such as structural, functional, and spatial information, amino acid conservation, physicochemical variation, residue mobility, and thermodynamic stability) indicates that this missense variant is not expected to disrupt LRP2 protein function with a negative predictive value of 80%. In summary, the available evidence is currently insufficient to determine the role of this variant in disease. Therefore, it has been classified as a Variant of Uncertain Significance.

Blueprint Genetics
Classification: Uncertain significance. Last evaluated: 2022-03-23. Review status: criteria provided, single submitter. Criteria: ACMG Guidelines, 2015. Collection method: clinical testing. Allele origin: germline.

Illumina Laboratory Services, Illumina
Classification: Uncertain significance for Donnai-Barrow syndrome. Last evaluated: 2018-01-12. Review status: criteria provided, single submitter. Criteria: ICSL Variant Classification Criteria 13 December 2019. Collection method: clinical testing. Allele origin: germline.

NM_004525.3(LRP2):c.8588C>T (p.Thr2863Met)

Gene: LRP2 (LDL receptor related protein 2; minus strand). Cytogenetic location: 2q31.1.
Variant type: single nucleotide variant.
Coding change: c.8588C>T on transcript NM_004525.3 (MANE Select); coding-DNA position 8588, C replaced by T.
Protein change: p.Thr2863Met; replaces threonine 2863 with methionine.
Molecular consequence: missense variant.
Genome position (GRCh38, 1-based): chr2:169,197,021, G>A on the plus strand (C>T on the coding strand, the complement: LRP2 is on the minus strand). VCF-style: chr2-169197021-G-A. GRCh37 (hg19) VCF-style: chr2-170053531-G-A.
Other names: short protein forms T2863M.
Identifiers: ClinVar variation 893488 (VCV000893488.9), dbSNP rs372193473, ClinGen allele CA1953804.